The following is an entry in ClinVar:

ClinVar aggregate classification (germline): Pathogenic (1 of 4 stars; one submission).

Submission:

Labcorp Genetics (formerly Invitae), Labcorp
Classification: Pathogenic. Last evaluated: 2019-07-04. Review status: criteria provided, single submitter. Criteria: Invitae Variant Classification Sherloc (09022015). Collection method: clinical testing. Allele origin: germline.
Comment: This variant is an out-of-frame deletion of the genomic region encompassing exons 12-13 of the ABCA4 gene. This is expected to create a premature translational stop signal and result in an absent or disrupted protein product. A similar deletion has been observed in an individual affected with macular or cone-rod dystrophy (PMID: 29555955). For these reasons, this variant has been classified as Pathogenic. Loss-of-function variants in ABCA4 are known to be pathogenic (PMID: 10958761, 24938718, 25312043, 26780318).

Literature cited by the submitters: PubMed 29555955; PubMed 10958761; PubMed 24938718; PubMed 25312043; PubMed 26780318.

NC_000001.11:g.(?_94062577)_(94063317_?)del

Gene: ABCA4 (ATP binding cassette subfamily A member 4; minus strand). Cytogenetic location: 1p22.1.
Variant type: Deletion.
Identifiers: ClinVar variation 830729 (VCV000830729.7).